The following is an entry in ClinVar:

NM_001887.4(CRYBB1):c.300C>T (p.Pro100=)

Genes: CRYBA4 (crystallin beta A4; plus strand), CRYBB1 (crystallin beta B1; minus strand). Cytogenetic location: 22q12.1.
Variant type: single nucleotide variant.
Coding change: c.300C>T on transcript NM_001887.4 (MANE Select); coding-DNA position 300, C replaced by T.
Protein change: p.Pro100=; no amino-acid change (proline 100 retained).
Molecular consequence: synonymous variant.
Genome position (GRCh38, 1-based): chr22:26,608,021, G>A on the plus strand (C>T on the coding strand, the complement: CRYBB1 is on the minus strand). VCF-style: chr22-26608021-G-A. GRCh37 (hg19) VCF-style: chr22-27003985-G-A.
Other names: c.300C>T (NM_001887.3).
Identifiers: ClinVar variation 2191216 (VCV002191216.5), dbSNP rs140515221, ClinGen allele CA10165497.

ClinVar aggregate classification (germline): Conflicting classifications of pathogenicity. Review status: criteria provided, conflicting classifications (1 of 4 stars). 2 submissions from 2 submitters: Uncertain significance (1); Likely benign (1). Last evaluated 2025-06-02.

Conditions:
Inborn genetic diseases. Identifiers: MedGen C0950123, MeSH D030342.
Cataract 17 multiple types. Also called: CATARACT 17, PULVERULENT; CATARACT 17, CONGENITAL NUCLEAR, AUTOSOMAL RECESSIVE. Identifiers: Orphanet 91492, MedGen C3888124, MONDO:0012688, OMIM 611544.

Allele frequency attached by ClinVar (database versions not stated): gnomAD exomes 0.00012; TOPMed 0.00014; gnomAD 0.00015; ExAC 0.00021; 1000 Genomes Project 30x 0.00031; ESP Exome Variant Server 0.00038; 1000 Genomes Project 0.00040.
gnomAD v4.1: 200 of 1,614,160 alleles (0.012%); highest among the groups gnomAD compares: Middle Eastern, 0.016%; no homozygotes.

Submissions (2):

Labcorp Genetics (formerly Invitae), Labcorp
Classification: Uncertain significance for Cataract 17 multiple types. Last evaluated: 2025-06-02. Review status: criteria provided, single submitter. Criteria: Invitae Variant Classification Sherloc (09022015). Collection method: clinical testing. Allele origin: germline.
Comment: This sequence change affects codon 100 of the CRYBB1 mRNA. It is a 'silent' change, meaning that it does not change the encoded amino acid sequence of the CRYBB1 protein. It affects a nucleotide within the consensus splice site. This variant is present in population databases (rs140515221, gnomAD 0.03%). This variant has been observed in individual(s) with clinical features of CRYBB1-related conditions (PMID: 36980880). ClinVar contains an entry for this variant (Variation ID: 2191216). Algorithms developed to predict the effect of sequence changes on RNA splicing suggest that this variant is not likely to affect RNA splicing. In summary, the available evidence is currently insufficient to determine the role of this variant in disease. Therefore, it has been classified as a Variant of Uncertain Significance.

Ambry Genetics
Classification: Likely benign for Inborn genetic diseases. Last evaluated: 2024-11-24. Review status: criteria provided, single submitter. Criteria: Ambry Variant Classification Scheme 2023. Collection method: clinical testing. Allele origin: germline.

Literature cited by the submitters: PubMed 36980880 (cited by Labcorp Genetics (formerly Invitae), Labcorp).